The following is an entry in ClinVar:

NM_001267550.2(TTN):c.102232G>C (p.Glu34078Gln)

Genes: TTN (titin; minus strand), TTN-AS1 (TTN antisense RNA 1; plus strand). Cytogenetic location: 2q31.2.
Variant type: single nucleotide variant.
Coding change: c.102232G>C on transcript NM_001267550.2 (MANE Select); coding-DNA position 102232, G replaced by C.
Protein change: p.Glu34078Gln; replaces glutamic acid 34078 with glutamine.
Molecular consequence: missense variant.
Genome position (GRCh38, 1-based): chr2:178,534,383, C>G on the plus strand (G>C on the coding strand, the complement: TTN is on the minus strand). VCF-style: chr2-178534383-C-G. GRCh37 (hg19) VCF-style: chr2-179399110-C-G.
Other names: c.97309G>C, p.Glu32437Gln (NM_001256850.1); c.75037G>C, p.Glu25013Gln (NM_003319.4); c.94528G>C, p.Glu31510Gln (NM_133378.4); c.75412G>C, p.Glu25138Gln (NM_133432.3); c.75613G>C, p.Glu25205Gln (NM_133437.4); short protein forms E34078Q, E25013Q, E25138Q, E25205Q, E31510Q, E32437Q.
Identifiers: ClinVar variation 582230 (VCV000582230.9), dbSNP rs1454101167, ClinGen allele CA349418071.

ClinVar aggregate classification (germline): Uncertain significance (1 of 4 stars; one submission).

Conditions:
Autosomal recessive limb-girdle muscular dystrophy type 2J (LGMDR10). Also called: Limb-girdle muscular dystrophy, type 2J; MUSCULAR DYSTROPHY, LIMB-GIRDLE, AUTOSOMAL RECESSIVE 10. Identifiers: Orphanet 140922, MedGen C1837342, MONDO:0012127, OMIM 608807.
Dilated cardiomyopathy 1G (CMD1G). Identifiers: Orphanet 154, MedGen C1858763, MONDO:0011400, OMIM 604145.

Allele frequency attached by ClinVar (database versions not stated): gnomAD 0.00001; TOPMed 0.00001.
gnomAD v4.1: 1 of 1,610,474 alleles (0.000062%); highest among the groups gnomAD compares: African/African-American, 0.0013%; no homozygotes.

Submission:

Labcorp Genetics (formerly Invitae), Labcorp
Classification: Uncertain significance for Dilated cardiomyopathy 1G; Autosomal recessive limb-girdle muscular dystrophy type 2J. Last evaluated: 2024-06-13. Review status: criteria provided, single submitter. Criteria: Invitae Variant Classification Sherloc (09022015). Collection method: clinical testing. Allele origin: germline.
Comment: This sequence change replaces glutamic acid, which is acidic and polar, with glutamine, which is neutral and polar, at codon 34078 of the TTN protein (p.Glu34078Gln). This variant is not present in population databases (gnomAD no frequency). This variant has not been reported in the literature in individuals affected with TTN-related conditions. ClinVar contains an entry for this variant (Variation ID: 582230). Experimental studies and prediction algorithms are not available or were not evaluated, and the functional significance of this variant is currently unknown. This variant is located in the M band of TTN (PMID: 25589632). Non-truncating variants in this region may be relevant for neuromuscular disorders, but have not been definitively shown to cause cardiomyopathy (PMID: 23975875). In summary, the available evidence is currently insufficient to determine the role of this variant in disease. Therefore, it has been classified as a Variant of Uncertain Significance.

Literature cited by the submitters: PubMed 25589632; PubMed 23975875.